The following is an entry in ClinVar:

ClinVar aggregate classification (germline): Uncertain significance. Review status: criteria provided, multiple submitters, no conflicts (2 of 4 stars). 2 submissions from 2 submitters: Uncertain significance (2). Last evaluated 2025-07-07.

Conditions:
Inborn genetic diseases. Identifiers: MedGen C0950123, MeSH D030342.
Fanconi anemia (FA). Also called: Fanconi's anemia. Identifiers: Orphanet 84, MedGen C0015625, MeSH D005199, MONDO:0019391.

Submissions (2):

Labcorp Genetics (formerly Invitae), Labcorp
Classification: Uncertain significance for Fanconi anemia. Last evaluated: 2025-07-07. Review status: criteria provided, single submitter. Criteria: Invitae Variant Classification Sherloc (09022015). Collection method: clinical testing. Allele origin: germline.
Comment: This sequence change replaces glutamic acid, which is acidic and polar, with glutamine, which is neutral and polar, at codon 1403 of the SLX4 protein (p.Glu1403Gln). This variant is not present in population databases (gnomAD no frequency). This variant has not been reported in the literature in individuals affected with SLX4-related conditions. ClinVar contains an entry for this variant (Variation ID: 3320609). An algorithm developed to predict the effect of missense changes on protein structure and function (PolyPhen-2) suggests that this variant is likely to be disruptive. In summary, the available evidence is currently insufficient to determine the role of this variant in disease. Therefore, it has been classified as a Variant of Uncertain Significance.

Ambry Genetics
Classification: Uncertain significance for Inborn genetic diseases. Last evaluated: 2024-03-31. Review status: criteria provided, single submitter. Criteria: Ambry Variant Classification Scheme 2023. Collection method: clinical testing. Allele origin: germline.

NM_032444.4(SLX4):c.4207G>C (p.Glu1403Gln)

Gene: SLX4 (SLX4 structure-specific endonuclease subunit; minus strand). Cytogenetic location: 16p13.3.
Variant type: single nucleotide variant.
Coding change: c.4207G>C on transcript NM_032444.4 (MANE Select); coding-DNA position 4207, G replaced by C.
Protein change: p.Glu1403Gln; replaces glutamic acid 1403 with glutamine.
Molecular consequence: missense variant.
Genome position (GRCh38, 1-based): chr16:3,589,431, C>G on the plus strand (G>C on the coding strand, the complement: SLX4 is on the minus strand). VCF-style: chr16-3589431-C-G. GRCh37 (hg19) VCF-style: chr16-3639432-C-G.
Other names: short protein forms E1403Q.
Identifiers: ClinVar variation 3320609 (VCV003320609.2).